The following is an entry in ClinVar:

NM_000719.7(CACNA1C):c.520G>C (p.Ala174Pro)

Gene: CACNA1C (calcium voltage-gated channel subunit alpha1 C; plus strand). Cytogenetic location: 12p13.33.
Variant type: single nucleotide variant.
Coding change: c.520G>C on transcript NM_000719.7 (MANE Select); coding-DNA position 520, G replaced by C.
Protein change: p.Ala174Pro; replaces alanine 174 with proline.
Molecular consequence: missense variant.
Genome position (GRCh38, 1-based): chr12:2,449,018, G>C. VCF-style: chr12-2449018-G-C. GRCh37 (hg19) VCF-style: chr12-2558184-G-C.
Other names: c.520G>C, p.Ala174Pro (NM_001129827.2, NM_001129829.2, NM_001129830.3 and 19 more transcripts); short protein forms A174P.
Identifiers: ClinVar variation 1381146 (VCV001381146.6), dbSNP rs2154562867, ClinGen allele CA383367360.

ClinVar aggregate classification (germline): Uncertain significance (1 of 4 stars; one submission).

Conditions:
Long QT syndrome (LQTS). Identifiers: MedGen C0023976, MeSH D008133, MONDO:0002442. Disease mechanism: loss of function. Inheritance: Various modes of inheritance.

Submission:

Labcorp Genetics (formerly Invitae), Labcorp
Classification: Uncertain significance for Long QT syndrome. Last evaluated: 2021-09-15. Review status: criteria provided, single submitter. Criteria: Invitae Variant Classification Sherloc (09022015). Collection method: clinical testing. Allele origin: germline.
Comment: This sequence change replaces alanine with proline at codon 174 of the CACNA1C protein (p.Ala174Pro). The alanine residue is moderately conserved and there is a small physicochemical difference between alanine and proline. This variant is not present in population databases (ExAC no frequency). This variant has not been reported in the literature in individuals affected with CACNA1C-related conditions. Algorithms developed to predict the effect of missense changes on protein structure and function are either unavailable or do not agree on the potential impact of this missense change (SIFT: "Tolerated"; PolyPhen-2: "Probably Damaging"; Align-GVGD: "Class C0"). In summary, the available evidence is currently insufficient to determine the role of this variant in disease. Therefore, it has been classified as a Variant of Uncertain Significance.